The following is an entry in ClinVar:

ClinVar aggregate classification (germline): Likely pathogenic (1 of 4 stars; one submission).

Conditions:
Developmental and epileptic encephalopathy 94 (DEE94). Also called: Epileptic encephalopathy, childhood-onset; CHD2-Related Neurodevelopmental Disorders. Identifiers: Orphanet 1942, Orphanet 2382, MedGen C3809278, MONDO:0014150, OMIM 615369.

Submission:

Institute of Human Genetics, University of Goettingen
Classification: Likely pathogenic for Developmental and epileptic encephalopathy 94. Last evaluated: 2022-05-20. Review status: criteria provided, single submitter. Criteria: ACMG Guidelines, 2015. Collection method: clinical testing. Allele origin: unknown. Inheritance: Autosomal dominant inheritance. Observed: 1 heterozygote.
Comment: For the following reasons, we consider the CHD2 mutation found to be likely pathogenic: a comparison with the gnomAD browser did not provide evidence that this sequence change is a norm variant that can also be detected in non-affected individuals. The mutation is not currently listed in ClinVar or the HGMD database; the mutation is independently classified as deleterious by the majority (n=17 of 20) of prediction programs; the mutation arose a.e. de novo. The parents do not carry the mutation; the following ACMG criteria were used for classification: PM2, PM6, PP3

NM_001271.4(CHD2):c.3542G>T (p.Cys1181Phe)

Gene: CHD2 (chromodomain helicase DNA binding protein 2; plus strand). Cytogenetic location: 15q26.1.
Variant type: single nucleotide variant.
Coding change: c.3542G>T on transcript NM_001271.4 (MANE Select); coding-DNA position 3542, G replaced by T.
Protein change: p.Cys1181Phe; replaces cysteine 1181 with phenylalanine.
Molecular consequence: missense variant.
Genome position (GRCh38, 1-based): chr15:92,992,945, G>T. VCF-style: chr15-92992945-G-T. GRCh37 (hg19) VCF-style: chr15-93536175-G-T.
Other names: short protein forms C1181F.
Identifiers: ClinVar variation 1684540 (VCV001684540.2), dbSNP rs2141861661, ClinGen allele CA393896707.